The following is an entry in ClinVar:

NM_004329.3(BMPR1A):c.1490T>C (p.Leu497Ser)

Gene: BMPR1A (bone morphogenetic protein receptor type 1A; plus strand). Cytogenetic location: 10q23.2.
Variant type: single nucleotide variant.
Coding change: c.1490T>C on transcript NM_004329.3 (MANE Select); coding-DNA position 1490, T replaced by C.
Protein change: p.Leu497Ser; replaces leucine 497 with serine.
Molecular consequence: missense variant. On other transcripts: non-coding transcript variant (3).
Genome position (GRCh38, 1-based): chr10:86,923,610, T>C. VCF-style: chr10-86923610-T-C. GRCh37 (hg19) VCF-style: chr10-88683367-T-C.
Other names: c.1490T>C, p.Leu497Ser (NM_001406581.1, NM_001406582.1, NM_001406561.1 and 19 more transcripts); c.1484T>C, p.Leu495Ser (NM_001406583.1); c.1406T>C, p.Leu469Ser (NM_001406584.1, NM_001406585.1, NM_001406586.1 and 2 more transcripts); c.1148T>C, p.Leu383Ser (NM_001406589.1); c.1565T>C, p.Leu522Ser (NM_001406559.1); c.1538T>C, p.Leu513Ser (NM_001406560.1); short protein forms L383S, L469S, L495S, L497S, L513S, L522S.
Identifiers: ClinVar variation 4867551 (VCV004867551.1).
Genomic context (GRCh38, chr10:86,923,610, plus strand): 5'-ACCAAATATATTCTCTGCTCACTGAACATCTCTTTACTTTTCAGTGTCTACGAGCAGTTT[T>C]GAAGCTAATGTCAGAATGCTGGGCCCACAATCCAGCCTCCAGACTCACAGCATTGAGAAT-3'
Protein context (NP_004320.2, residues 487-507): WNSDECLRAV[Leu497Ser]KLMSECWAHN

ClinVar aggregate classification (germline): Uncertain significance (1 of 4 stars; one submission).

Conditions:
Hereditary cancer-predisposing syndrome. Also called: Neoplastic Syndromes, Hereditary; Tumor predisposition; Hereditary Cancer Syndrome; Hereditary neoplastic syndrome. Identifiers: Orphanet 140162, MedGen C0027672, MeSH D009386, MONDO:0015356.

Submission:

Ambry Genetics
Classification: Uncertain significance for Hereditary cancer-predisposing syndrome. Last evaluated: 2026-04-03. Review status: criteria provided, single submitter. Criteria: Ambry Variant Classification Scheme 2023. Collection method: clinical testing. Allele origin: germline.
Comment: The p.L497S variant (also known as c.1490T>C), located in coding exon 11 of the BMPR1A gene, results from a T to C substitution at nucleotide position 1490. The leucine at codon 497 is replaced by serine, an amino acid with dissimilar properties. This amino acid position is highly conserved in available vertebrate species. In addition, this alteration is predicted to be deleterious by in silico analysis. Based on the available evidence, the clinical significance of this variant remains unclear.